The following is an entry in ClinVar:

NM_017882.3(CLN6):c.583G>A (p.Gly195Ser)

Gene: CLN6 (CLN6 transmembrane ER protein; minus strand). Cytogenetic location: 15q23.
Variant type: single nucleotide variant.
Coding change: c.583G>A on transcript NM_017882.3 (MANE Select); coding-DNA position 583, G replaced by A.
Protein change: p.Gly195Ser; replaces glycine 195 with serine.
Molecular consequence: missense variant.
Genome position (GRCh38, 1-based): chr15:68,209,719, C>T on the plus strand (G>A on the coding strand, the complement: CLN6 is on the minus strand). VCF-style: chr15-68209719-C-T. GRCh37 (hg19) VCF-style: chr15-68502057-C-T.
Other names: short protein forms G195S.
Identifiers: ClinVar variation 664484 (VCV000664484.7), dbSNP rs747575187, ClinGen allele CA7630530.

ClinVar aggregate classification (germline): Uncertain significance. Review status: criteria provided, multiple submitters, no conflicts (2 of 4 stars). 2 submissions from 2 submitters: Uncertain significance (2). Last evaluated 2024-10-29.

Conditions:
Neuronal ceroid lipofuscinosis. Also called: Neuronal Ceroid Lipofuscinoses. Identifiers: Orphanet 216, Orphanet 79263, MedGen C0027877, MONDO:0016295. Disease mechanism: loss of function.

Allele frequency attached by ClinVar (database versions not stated): TOPMed below 0.00001; ExAC 0.00001; gnomAD 0.00001; gnomAD exomes 0.00002.
gnomAD v4.1: 17 of 1,613,630 alleles (0.0011%); highest among the groups gnomAD compares: Admixed American, 0.0033%; no homozygotes.

Submissions (2):

Labcorp Genetics (formerly Invitae), Labcorp
Classification: Uncertain significance for Neuronal ceroid lipofuscinosis. Last evaluated: 2024-10-29. Review status: criteria provided, single submitter. Criteria: Invitae Variant Classification Sherloc (09022015). Collection method: clinical testing. Allele origin: germline.
Comment: This sequence change replaces glycine, which is neutral and non-polar, with serine, which is neutral and polar, at codon 195 of the CLN6 protein (p.Gly195Ser). This variant is present in population databases (rs747575187, gnomAD 0.009%). This variant has not been reported in the literature in individuals affected with CLN6-related conditions. ClinVar contains an entry for this variant (Variation ID: 664484). An algorithm developed to predict the effect of missense changes on protein structure and function outputs the following: PolyPhen-2: "Benign". The serine amino acid residue is found in multiple mammalian species, which suggests that this missense change does not adversely affect protein function. In summary, the available evidence is currently insufficient to determine the role of this variant in disease. Therefore, it has been classified as a Variant of Uncertain Significance.

GeneDx
Classification: Uncertain significance. Last evaluated: 2019-09-06. Review status: criteria provided, single submitter. Criteria: GeneDx Variant Classification Process June 2021. Collection method: clinical testing. Allele origin: germline. Affected: yes.
Comment: Not observed at a significant frequency in large population cohorts (Lek et al., 2016); In silico analysis, which includes protein predictors and evolutionary conservation, supports a deleterious effect; Has not been previously published as pathogenic or benign to our knowledge